The following is an entry in ClinVar:

NM_000038.6(APC):c.8256T>C (p.Asn2752=)

Gene: APC (APC regulator of Wnt signaling pathway; plus strand). Cytogenetic location: 5q22.2.
Variant type: single nucleotide variant.
Coding change: c.8256T>C on transcript NM_000038.6 (MANE Select); coding-DNA position 8256, T replaced by C.
Protein change: p.Asn2752=; no amino-acid change (asparagine 2752 retained).
Molecular consequence: synonymous variant.
Genome position (GRCh38, 1-based): chr5:112,843,850, T>C. VCF-style: chr5-112843850-T-C. GRCh37 (hg19) VCF-style: chr5-112179547-T-C.
Other names: c.8256T>C, p.Asn2752= (NM_001127510.3, NM_001354895.2); c.8202T>C, p.Asn2734= (NM_001127511.3); c.8310T>C, p.Asn2770= (NM_001354896.2); c.8286T>C, p.Asn2762= (NM_001354897.2); c.8181T>C, p.Asn2727= (NM_001354898.2); c.8172T>C, p.Asn2724= (NM_001354899.2); c.8133T>C, p.Asn2711= (NM_001354900.2); c.8079T>C, p.Asn2693= (NM_001354901.2); and 5 more.
Identifiers: ClinVar variation 827536 (VCV000827536.10), dbSNP rs1580691816, ClinGen allele CA446211366.

ClinVar aggregate classification (germline): Benign/Likely benign. Review status: criteria provided, multiple submitters, no conflicts (2 of 4 stars). 3 submissions from 3 submitters: Benign (1); Likely benign (2). Last evaluated 2024-04-15.

Conditions:
Hereditary cancer-predisposing syndrome. Also called: Neoplastic Syndromes, Hereditary; Tumor predisposition; Hereditary neoplastic syndrome; Hereditary Cancer Syndrome. Identifiers: Orphanet 140162, MedGen C0027672, MeSH D009386, MONDO:0015356.
Familial adenomatous polyposis 1 (FAP1). Also called: POLYPOSIS, ADENOMATOUS INTESTINAL; FAMILIAL ADENOMATOUS POLYPOSIS 1, ATTENUATED. Identifiers: MedGen C2713442, MONDO:0021056, OMIM 175100. Disease mechanism: loss of function.

Submissions (3):

Myriad Genetics, Inc.
Classification: Benign for Familial adenomatous polyposis 1. Last evaluated: 2024-04-15. Review status: criteria provided, single submitter. Criteria: Myriad Autosomal Dominant, Autosomal Recessive and X-Linked Classification Criteria (2023). Collection method: clinical testing. Allele origin: unknown.
Comment: This variant is considered benign. This variant is a silent/synonymous amino acid change and it is not expected to impact splicing.

Labcorp Genetics (formerly Invitae), Labcorp
Classification: Likely benign for Familial adenomatous polyposis 1. Last evaluated: 2023-11-30. Review status: criteria provided, single submitter. Criteria: Invitae Variant Classification Sherloc (09022015). Collection method: clinical testing. Allele origin: germline.

Ambry Genetics
Classification: Likely benign for Hereditary cancer-predisposing syndrome. Last evaluated: 2018-08-21. Review status: criteria provided, single submitter. Criteria: Ambry Variant Classification Scheme 2023. Collection method: clinical testing. Allele origin: germline.